The following is an entry in ClinVar:

ClinVar aggregate classification (germline): Uncertain significance. Review status: criteria provided, multiple submitters, no conflicts (2 of 4 stars). 9 submissions from 9 submitters: Uncertain significance (8). 1 of the submissions does not count toward it. Last evaluated 2026-04-29.

Conditions:
Inborn genetic diseases. Identifiers: MedGen C0950123, MeSH D030342.
Ehlers-Danlos syndrome, dermatosparaxis type. Also called: Dermatosparaxis; EDS VIIC; Ehlers-Danlos syndrome, type VII, autosomal recessive. Identifiers: Orphanet 1901, MedGen C2700425, MONDO:0009161, OMIM 225410.

Allele frequency attached by ClinVar (database versions not stated): gnomAD exomes 0.00012; TOPMed 0.00013; gnomAD 0.00014 and 0.00015; ExAC 0.00018; 1000 Genomes Project 0.00040; 1000 Genomes Project 30x 0.00047.
gnomAD v4.1: 194 of 1,602,922 alleles (0.012%); highest among the groups gnomAD compares: Admixed American, 0.019%; no homozygotes.

Submissions (9):

Women's Health and Genetics/Laboratory Corporation of America, LabCorp
Classification: Uncertain significance. Last evaluated: 2026-04-29. Review status: criteria provided, single submitter. Criteria: LabCorp Variant Classification Summary - May 2015. Collection method: clinical testing. Allele origin: germline.
Comment: Variant summary: ADAMTS2 c.167G>A (p.Arg56His) results in a non-conservative amino acid change in the encoded protein sequence. Algorithms developed to predict the effect of missense changes on protein structure and function are either unavailable or do not agree on the potential impact of this missense change. The variant allele was found at a frequency of 0.00012 in 214842 control chromosomes. This frequency is not significantly higher than estimated for disease-causing variants in ADAMTS2, allowing no conclusion about variant significance. To our knowledge, no occurrence of c.167G>A in individuals affected with ADAMTS2-related conditions and no experimental evidence demonstrating its impact on protein function have been reported. ClinVar contains an entry for this variant (Variation ID: 567521). Based on the evidence outlined above, the variant was classified as uncertain significance.

Mayo Clinic Laboratories, Mayo Clinic
Classification: Uncertain significance. Last evaluated: 2025-07-30. Review status: criteria provided, single submitter. Criteria: ACMG Guidelines, 2015. Collection method: clinical testing. Allele origin: germline. Observed: 2 variant alleles.
Comment: BP4_moderate

GeneDx
Classification: Uncertain significance. Last evaluated: 2025-06-17. Review status: criteria provided, single submitter. Criteria: GeneDx Variant Classification Process June 2021. Collection method: clinical testing. Allele origin: germline.
Comment: Has not been previously published as pathogenic or benign to our knowledge; In silico analysis indicates that this missense variant does not alter protein structure/function

Ambry Genetics
Classification: Uncertain significance for Inborn genetic diseases. Last evaluated: 2024-02-05. Review status: criteria provided, single submitter. Criteria: Ambry Variant Classification Scheme 2023. Collection method: clinical testing. Allele origin: germline.

Labcorp Genetics (formerly Invitae), Labcorp
Classification: Uncertain significance for Ehlers-Danlos syndrome, dermatosparaxis type. Last evaluated: 2022-10-13. Review status: criteria provided, single submitter. Criteria: Invitae Variant Classification Sherloc (09022015). Collection method: clinical testing. Allele origin: germline.
Comment: This sequence change replaces arginine, which is basic and polar, with histidine, which is basic and polar, at codon 56 of the ADAMTS2 protein (p.Arg56His). This variant is present in population databases (rs201167346, gnomAD 0.02%). This variant has not been reported in the literature in individuals affected with ADAMTS2-related conditions. ClinVar contains an entry for this variant (Variation ID: 567521). Algorithms developed to predict the effect of missense changes on protein structure and function are either unavailable or do not agree on the potential impact of this missense change (SIFT: "Deleterious"; PolyPhen-2: "Benign"; Align-GVGD: "Class C0"). In summary, the available evidence is currently insufficient to determine the role of this variant in disease. Therefore, it has been classified as a Variant of Uncertain Significance.

Blueprint Genetics
Classification: Uncertain significance. Last evaluated: 2022-07-04. Review status: criteria provided, single submitter. Criteria: ACMG Guidelines, 2015. Collection method: clinical testing. Allele origin: germline.

Fulgent Genetics
Classification: Uncertain significance for Ehlers-Danlos syndrome, dermatosparaxis type. Last evaluated: 2022-04-05. Review status: criteria provided, single submitter. Criteria: ACMG Guidelines, 2015. Collection method: clinical testing. Allele origin: unknown.

Illumina Laboratory Services, Illumina
Classification: Uncertain significance for Ehlers-Danlos syndrome, dermatosparaxis type. Last evaluated: 2018-01-13. Review status: criteria provided, single submitter. Criteria: ICSL Variant Classification Criteria 13 December 2019. Collection method: clinical testing. Allele origin: germline.

Natera, Inc.
Classification: Likely benign for Ehlers-Danlos syndrome type VIIC. Last evaluated: 2019-10-28. Review status: no assertion criteria provided. Collection method: clinical testing. Allele origin: germline. Not counted in ClinVar's aggregate classification.

NM_014244.5(ADAMTS2):c.167G>A (p.Arg56His)

Gene: ADAMTS2 (ADAM metallopeptidase with thrombospondin type 1 motif 2; minus strand). Cytogenetic location: 5q35.3.
Variant type: single nucleotide variant.
Coding change: c.167G>A on transcript NM_014244.5 (MANE Select); coding-DNA position 167, G replaced by A.
Protein change: p.Arg56His; replaces arginine 56 with histidine.
Molecular consequence: missense variant.
Genome position (GRCh38, 1-based): chr5:179,344,134, C>T on the plus strand (G>A on the coding strand, the complement: ADAMTS2 is on the minus strand). VCF-style: chr5-179344134-C-T. GRCh37 (hg19) VCF-style: chr5-178771135-C-T.
Other names: p.Arg56His; c.167G>A, p.Arg56His (NM_021599.4); short protein forms R56H.
Identifiers: ClinVar variation 567521 (VCV000567521.18), dbSNP rs201167346, ClinGen allele CA3596374.